The following is an entry in ClinVar:

ClinVar aggregate classification (germline): Likely pathogenic (1 of 4 stars; one submission).

Conditions:
MEIOB-related disorder. Also called: MEIOB-related condition.

Submission:

PreventionGenetics, part of Exact Sciences
Classification: Likely pathogenic for MEIOB-related condition. Last evaluated: 2025-07-26. Review status: criteria provided, single submitter. Criteria: ACMG Guidelines, 2015. Collection method: clinical testing. Allele origin: germline.
Comment: The MEIOB c.247_257del11 variant is predicted to result in a frameshift and premature protein termination (p.Val83Cysfs*4). To our knowledge, this variant has not been reported in the literature or in a large population database (gnomAD), indicating this variant is rare. Frameshift variants in MEIOB are expected to be pathogenic. This variant is interpreted as likely pathogenic.

NM_001163560.3(MEIOB):c.247_257del (p.Val83fs)

Gene: MEIOB (meiosis specific with OB-fold; minus strand). Cytogenetic location: 16p13.3.
Variant type: Deletion.
Coding change: c.247_257del on transcript NM_001163560.3 (MANE Select); coding-DNA positions 247 to 257, 11 bases deleted (GTTGGTGACTG).
Protein change: p.Val83fs; shifts the reading frame from valine 83.
Molecular consequence: frameshift variant.
Genome position (GRCh38, 1-based): chr16:1,861,987-1,861,997, CAGTCACCAAC deleted on the plus strand (GTTGGTGACTG on the coding strand, the reverse complement: MEIOB is on the minus strand); deleting any 11 consecutive bases within chr16:1,861,987-1,861,998 gives the same sequence; the c. name uses the placement nearest the transcript's 3' end. VCF-style (leftmost placement, unchanged base first): chr16-1861986-ACAGTCACCAAC-A. GRCh37 (hg19) VCF-style: chr16-1911987-ACAGTCACCAAC-A.
Other names: c.247_257del, p.Val83fs (NM_152764.3); short protein forms V83fs.
Identifiers: ClinVar variation 5000613 (VCV005000613.1).